The following is an entry in ClinVar:

NM_000355.4(TCN2):c.350_351insAC (p.Phe118fs)

Gene: TCN2 (transcobalamin 2; plus strand). Cytogenetic location: 22q12.2.
Variant type: Insertion.
Coding change: c.350_351insAC on transcript NM_000355.4 (MANE Select); coding-DNA positions 350 to 351, AC inserted.
Protein change: p.Phe118fs; shifts the reading frame from phenylalanine 118.
Molecular consequence: frameshift variant. On other transcripts: intron variant (1).
Genome position: GRCh38 VCF-style: chr22-30612965-A-AAC. GRCh37 (hg19) VCF-style: chr22-31008952-A-AAC.
Other names: c.346+4_346+5insAC (NM_001184726.2); short protein forms F118fs.
Identifiers: ClinVar variation 2869049 (VCV002869049.4), dbSNP rs1371200045, ClinGen allele CA752347744.

ClinVar aggregate classification (germline): Pathogenic/Likely pathogenic. Review status: criteria provided, multiple submitters, no conflicts (2 of 4 stars). 2 submissions from 2 submitters: Pathogenic (1); Likely pathogenic (1). Last evaluated 2024-01-15.

Conditions:
Transcobalamin II deficiency (TCN2D). Also called: TC II DEFICIENCY; TCN2 DEFICIENCY; Transcolabamin II deficiency. Identifiers: Orphanet 859, MedGen C0342701, MONDO:0010149, OMIM 275350.

Allele frequency attached by ClinVar (database versions not stated): gnomAD exomes below 0.00001; TOPMed below 0.00001; gnomAD 0.00001.

Submissions (2):

Fulgent Genetics
Classification: Likely pathogenic for Transcobalamin II deficiency. Last evaluated: 2024-01-15. Review status: criteria provided, single submitter. Criteria: ACMG Guidelines, 2015. Collection method: clinical testing. Allele origin: germline.

Labcorp Genetics (formerly Invitae), Labcorp
Classification: Pathogenic for Transcobalamin II deficiency. Last evaluated: 2023-12-17. Review status: criteria provided, single submitter. Criteria: Invitae Variant Classification Sherloc (09022015). Collection method: clinical testing. Allele origin: germline.
Comment: This sequence change creates a premature translational stop signal (p.Phe118Argfs*90) in the TCN2 gene. It is expected to result in an absent or disrupted protein product. Loss-of-function variants in TCN2 are known to be pathogenic (PMID: 7980584, 20352340). This variant is not present in population databases (gnomAD no frequency). This variant has not been reported in the literature in individuals affected with TCN2-related conditions. For these reasons, this variant has been classified as Pathogenic.

Literature cited by the submitters: PubMed 7980584 (cited by Labcorp Genetics (formerly Invitae), Labcorp); PubMed 20352340 (cited by Labcorp Genetics (formerly Invitae), Labcorp).